The following is an entry in ClinVar:

NM_003441.4(ZNF141):c.975C>A (p.Thr325=)

Gene: ZNF141 (zinc finger protein 141; plus strand). Cytogenetic location: 4p16.3.
Variant type: single nucleotide variant.
Coding change: c.975C>A on transcript NM_003441.4 (MANE Select); coding-DNA position 975, C replaced by A.
Protein change: p.Thr325=; no amino-acid change (threonine 325 retained).
Molecular consequence: synonymous variant. On other transcripts: intron variant (1).
Genome position (GRCh38, 1-based): chr4:373,412, C>A. VCF-style: chr4-373412-C-A. GRCh37 (hg19) VCF-style: chr4-367201-C-A.
Other names: c.747C>A, p.Thr249= (NM_001348277.2); c.570+405C>A (NM_001348278.2).
Identifiers: ClinVar variation 3042149 (VCV003042149.3), dbSNP rs111394409, ClinGen allele CA2791812.
Genomic context (GRCh38, chr4:373,412, plus strand): 5'-TACTGGAGAGAAACCCTACAAATGTGAAGAATGTGGCAAAGCCTTTAATAGGTCCACAAC[C>A]CTTACTAAACATAAGAGAATTCATACTGGAGAGAAACCCTACACATGTGAAGAATGTGGC-3'
Protein context (NP_003432.1, residues 315-335): ECGKAFNRST[Thr325=]LTKHKRIHTG

ClinVar aggregate classification (germline): Likely benign. Review status: criteria provided, single submitter (1 of 4 stars). 2 submissions from 2 submitters: Likely benign (1). 1 of the submissions does not count toward it. Last evaluated 2024-11-19.

Conditions:
ZNF141-related disorder. Also called: ZNF141-related condition.

Allele frequency attached by ClinVar (database versions not stated): ExAC 0.09661.

Submissions (2):

Blueprint Genetics
Classification: Likely benign. Last evaluated: 2024-11-19. Review status: criteria provided, single submitter. Criteria: ACMG Guidelines, 2015. Collection method: clinical testing. Allele origin: germline.

PreventionGenetics, part of Exact Sciences
Classification: Likely benign for ZNF141-related condition. Last evaluated: 2019-10-31. Review status: no assertion criteria provided. Collection method: clinical testing. Allele origin: germline. Not counted in ClinVar's aggregate classification.
Comment: This variant is classified as likely benign based on ACMG/AMP sequence variant interpretation guidelines (Richards et al. 2015 PMID: 25741868, with internal and published modifications).